The following is an entry in ClinVar:

ClinVar aggregate classification (germline): Uncertain significance (1 of 4 stars; one submission).

Conditions:
Arrhythmogenic right ventricular dysplasia 8 (ARVD8). Also called: ARRHYTHMOGENIC RIGHT VENTRICULAR DYSPLASIA, FAMILIAL, 8; ARRHYTHMOGENIC RIGHT VENTRICULAR CARDIOMYOPATHY 8; Arrhythmogenic Right Ventricular Dysplasia/Cardiomyopathy 8. Identifiers: MedGen C1843896, MONDO:0011831, OMIM 607450.
Arrhythmogenic cardiomyopathy with wooly hair and keratoderma. Also called: Dilated cardiomyopathy with woolly hair and keratoderma; Carvajal syndrome; PALMOPLANTAR KERATODERMA WITH LEFT VENTRICULAR CARDIOMYOPATHY AND WOOLLY HAIR; Arrhythmogenic cardiomyopathy with woolly hair and keratoderma. Identifiers: Orphanet 65282, MedGen C1854063, MONDO:0011581, OMIM 605676.

Allele frequency attached by ClinVar (database versions not stated): gnomAD exomes below 0.00001.
gnomAD v4.1: 1 of 1,613,514 alleles (0.000062%); highest among the groups gnomAD compares: Non-Finnish European, 0.000085%; no homozygotes.

Submission:

Labcorp Genetics (formerly Invitae), Labcorp
Classification: Uncertain significance for Arrhythmogenic cardiomyopathy with wooly hair and keratoderma; Arrhythmogenic right ventricular dysplasia 8. Last evaluated: 2022-07-05. Review status: criteria provided, single submitter. Criteria: Invitae Variant Classification Sherloc (09022015). Collection method: clinical testing. Allele origin: germline.
Comment: In summary, the available evidence is currently insufficient to determine the role of this variant in disease. Therefore, it has been classified as a Variant of Uncertain Significance. This sequence change replaces leucine, which is neutral and non-polar, with proline, which is neutral and non-polar, at codon 259 of the DSP protein (p.Leu259Pro). This variant is not present in population databases (gnomAD no frequency). This variant has not been reported in the literature in individuals affected with DSP-related conditions. ClinVar contains an entry for this variant (Variation ID: 1043199). Algorithms developed to predict the effect of missense changes on protein structure and function are either unavailable or do not agree on the potential impact of this missense change (SIFT: "Deleterious"; PolyPhen-2: "Probably Damaging"; Align-GVGD: "Class C0").

NM_004415.4(DSP):c.776T>C (p.Leu259Pro)

Gene: DSP (desmoplakin; plus strand). Cytogenetic location: 6p24.3.
Variant type: single nucleotide variant.
Coding change: c.776T>C on transcript NM_004415.4 (MANE Select); coding-DNA position 776, T replaced by C.
Protein change: p.Leu259Pro; replaces leucine 259 with proline.
Molecular consequence: missense variant.
Genome position (GRCh38, 1-based): chr6:7,563,785, T>C. VCF-style: chr6-7563785-T-C. GRCh37 (hg19) VCF-style: chr6-7564018-T-C.
Other names: c.776T>C, p.Leu259Pro (NM_001008844.3, NM_001319034.2); short protein forms L259P.
Identifiers: ClinVar variation 1043199 (VCV001043199.9), dbSNP rs1758774627, ClinGen allele CA362673764.